The following is an entry in ClinVar:

ClinVar aggregate classification (germline): Conflicting classifications of pathogenicity. Review status: criteria provided, conflicting classifications (1 of 4 stars). 3 submissions from 3 submitters: Uncertain significance (1); Benign (1); Likely benign (1). Last evaluated 2025-12-19.

Conditions:
Marfan syndrome (MFS). Also called: MARFAN SYNDROME, TYPE I; Marfan syndrome type 1; Marfan's syndrome; Marfan syndrome, classic; FBN1-Related Marfan Syndrome. Identifiers: Orphanet 284963, Orphanet 558, MedGen C0024796, MONDO:0007947, OMIM 154700.
Familial thoracic aortic aneurysm and aortic dissection (TAAD). Also called: Thoracic aortic aneurysms and dissections. Identifiers: Orphanet 91387, MedGen C4707243, MONDO:0019625.

Allele frequency attached by ClinVar (database versions not stated): gnomAD 0.00003; TOPMed 0.00003; gnomAD exomes below 0.00001.
gnomAD v4.1: 6 of 1,614,056 alleles (0.00037%); highest among the groups gnomAD compares: African/African-American, 0.008%; no homozygotes.

Submissions (3):

Ambry Genetics
Classification: Uncertain significance for Familial thoracic aortic aneurysm and aortic dissection. Last evaluated: 2025-12-19. Review status: criteria provided, single submitter. Criteria: Ambry Variant Classification Scheme 2023. Collection method: clinical testing. Allele origin: germline.
Comment: The c.7129A>G (p.I2377V) alteration is located in exon 58 (coding exon 57) of the FBN1 gene. This alteration results from a A to G substitution at nucleotide position 7129, causing the isoleucine (I) at amino acid position 2377 to be replaced by a valine (V). Based on data from gnomAD, the G allele has an overall frequency of 0.001% (3/282342) total alleles studied. The highest observed frequency was 0.012% (3/24966) of African alleles. Based on insufficient or conflicting evidence, the clinical significance of this alteration remains unclear.

Color Diagnostics, LLC DBA Color Health
Classification: Likely benign for Familial thoracic aortic aneurysm and aortic dissection. Last evaluated: 2025-09-22. Review status: criteria provided, single submitter. Criteria: ACMG Guidelines, 2015. Collection method: clinical testing. Allele origin: germline.

Labcorp Genetics (formerly Invitae), Labcorp
Classification: Benign for Marfan syndrome; Familial thoracic aortic aneurysm and aortic dissection. Last evaluated: 2023-09-04. Review status: criteria provided, single submitter. Criteria: Invitae Variant Classification Sherloc (09022015). Collection method: clinical testing. Allele origin: germline.

NM_000138.5(FBN1):c.7129A>G (p.Ile2377Val)

Gene: FBN1 (fibrillin 1; minus strand). Cytogenetic location: 15q21.1.
Variant type: single nucleotide variant.
Coding change: c.7129A>G on transcript NM_000138.5 (MANE Select); coding-DNA position 7129, A replaced by G.
Protein change: p.Ile2377Val; replaces isoleucine 2377 with valine.
Molecular consequence: missense variant.
Genome position (GRCh38, 1-based): chr15:48,427,642, T>C on the plus strand (A>G on the coding strand, the complement: FBN1 is on the minus strand). VCF-style: chr15-48427642-T-C. GRCh37 (hg19) VCF-style: chr15-48719839-T-C.
Other names: c.7129A>G, p.Ile2377Val (NM_001406716.1); short protein forms I2377V.
Identifiers: ClinVar variation 2923843 (VCV002923843.5), dbSNP rs955085872, ClinGen allele CA269521455.
Genomic context (GRCh38, chr15:48,427,642, plus strand): 5'-TGAATCCTCGGCCATGGGGACAGAGTTTCTTGAAAGCCACAGTCCCCTGGAAAGGGCAGA[T>C]CTCACAGTGGGGACCCCAGCCTCTCCCTCCGTCACAGCAGCATTCCGATTTGGTGACGGG-3'
Protein context (NP_000129.3, residues 2367-2387): GGRGWGPHCE[Ile2377Val]CPFQGTVAFK